The following is an entry in ClinVar:

ClinVar aggregate classification (germline): Pathogenic (3 of 4 stars; one submission).

Conditions:
Phenylketonuria (PKU). Also called: FOLLING DISEASE; OLIGOPHRENIA PHENYLPYRUVICA; Phenylketonurias; Phenylketonuria (PKU). Identifiers: Orphanet 716, MedGen C0031485, MONDO:0009861, OMIM 261600. Disease mechanism: loss of function.

gnomAD v4.1: 1 of 1,614,152 alleles (0.000062%); no homozygotes.

Submission:

ClinGen PAH Variant Curation Expert Panel
Classification: Pathogenic for Phenylketonuria. Last evaluated: 2024-09-06. Review status: reviewed by expert panel. Criteria: ClinGen PAH ACMG Specifications v1. Collection method: curation. Allele origin: germline. Inheritance: Autosomal recessive inheritance.
Comment: This c.548A>G (p.Glu183Gly) variant in PAH was reported in trans with pathogenic variants p.Arg111* and c.721C>T in 2 patients with PAH deficiency (>120 μmol/L Phe, BH4 deficiency excluded) (PMID: 28982351, 28754886). Residual enzyme activity was 9.1% for p.Glu183Gly compared to the wild-type PAH (PMID: 24327145). Computational evidence for this missense variant is predicted to be damaging (REVEL=0.977). This variant is absent from population databases gnomAD. In summary, this variant meets criteria to be classified as pathogenic for PAH. PAH-specific ACMG/AMP criteria applied: PM3_strong, PM2_supporting, PP4_moderate, PP3_strong, PS3_supporting.

NM_000277.3(PAH):c.548A>G (p.Glu183Gly)

Gene: PAH (phenylalanine hydroxylase; minus strand). Cytogenetic location: 12q23.2.
Variant type: single nucleotide variant.
Coding change: c.548A>G on transcript NM_000277.3 (MANE Select); coding-DNA position 548, A replaced by G.
Protein change: p.Glu183Gly; replaces glutamic acid 183 with glycine.
Molecular consequence: missense variant.
Genome position (GRCh38, 1-based): chr12:102,855,294, T>C on the plus strand (A>G on the coding strand, the complement: PAH is on the minus strand). VCF-style: chr12-102855294-T-C. GRCh37 (hg19) VCF-style: chr12-103249072-T-C.
Other names: NM_001354304.2:c.548A>G; c.548A>G, p.Glu183Gly (NM_001354304.2); short protein forms E183G.
Identifiers: ClinVar variation 3393468 (VCV003393468.1).